The following is an entry in ClinVar:

CM000664.1:g.223798501_223823141dup

Genes: ACSL3 (acyl-CoA synthetase long chain family member 3; plus strand), LOC129935685 (ATAC-STARR-seq lymphoblastoid silent region 12375; plus strand). Cytogenetic location: 2q36.1.
Variant type: Duplication.
Identifiers: ClinVar variation 156824 (VCV000156824.2).

ClinVar aggregate classification (germline): not provided (0 of 4 stars; one submission).

Conditions:
Preeclampsia. Identifiers: Orphanet 275555, MedGen C0032914, MONDO:0005081, HP:0100602.

Submission:

Institute of Molecular and Cell Biology, University of Tartu
No classification provided. Condition: Preeclampsia. Review status: no classification provided. Collection method: case-control. Allele origin: unknown. Affected: yes. Study: Kasak2014.
Comment: The study aimed to determine the contribution of copy number variants in the genetic etiology of normal and complicated pregnancies. The samples represented (i) maternal blood DNA drawn from healthy pregnant women during 1st or 2nd trimester and (ii) maternal and paternal blood DNA drawn at term pregnancy cases representing normal and complicated gestations (severe preeclampsia, PE; gestational diabetes, GD; small-for-gestational age newborn, SGA; large-for-gestational age newborn, LGA). We performed CNV calling based on genome-wide genotyping dataset (Illumina HumanOmniExpress-24-v1 BeadChip) by applying three algorithms, QuantiSNP, GADA (Genome Alteration Detection Algorithm) and CNstream in parallel. The acquired CNV calls were merged with HD-CNV (Hotspot Detector for Copy Number Variants) program and only the CNVs predicted by at least two programs, were considered in subsequent analysis.

Literature cited by the submitters: PubMed 25666259.